The following is an entry in ClinVar:

ClinVar aggregate classification (germline): Uncertain significance (1 of 4 stars; one submission).

Conditions:
Ataxia-telangiectasia syndrome (AT). Also called: ATAXIA-TELANGIECTASIA, COMPLEMENTATION GROUP A; ATAXIA-TELANGIECTASIA, FRESNO VARIANT; Ataxia-telangiectasia; Ataxia-telangiectasia, complementation group E; Ataxia telangiectasia (A-T); LOUIS-BAR SYNDROME. Identifiers: Orphanet 100, MedGen C0004135, MONDO:0008840, OMIM 208900.

Submission:

Labcorp Genetics (formerly Invitae), Labcorp
Classification: Uncertain significance for Ataxia-telangiectasia syndrome. Last evaluated: 2024-09-23. Review status: criteria provided, single submitter. Criteria: Invitae Variant Classification Sherloc (09022015). Collection method: clinical testing. Allele origin: germline.
Comment: This sequence change replaces histidine, which is basic and polar, with asparagine, which is neutral and polar, at codon 1027 of the ATM protein (p.His1027Asn). This variant is not present in population databases (gnomAD no frequency). This variant has not been reported in the literature in individuals affected with ATM-related conditions. An algorithm developed to predict the effect of missense changes on protein structure and function (PolyPhen-2) suggests that this variant is likely to be tolerated. In summary, the available evidence is currently insufficient to determine the role of this variant in disease. Therefore, it has been classified as a Variant of Uncertain Significance.

NM_000051.4(ATM):c.3079C>A (p.His1027Asn)

Gene: ATM (ATM serine/threonine kinase; plus strand). Cytogenetic location: 11q22.3.
Variant type: single nucleotide variant.
Coding change: c.3079C>A on transcript NM_000051.4 (MANE Select); coding-DNA position 3079, C replaced by A.
Protein change: p.His1027Asn; replaces histidine 1027 with asparagine.
Molecular consequence: missense variant.
Genome position (GRCh38, 1-based): chr11:108,272,533, C>A. VCF-style: chr11-108272533-C-A. GRCh37 (hg19) VCF-style: chr11-108143260-C-A.
Other names: c.3079C>A, p.His1027Asn (NM_001351834.2); short protein forms H1027N.
Identifiers: ClinVar variation 3721361 (VCV003721361.2).